The following is an entry in ClinVar:

ClinVar aggregate classification (germline): Benign (1 of 4 stars; one submission).

Allele frequency attached by ClinVar (database versions not stated): 1000 Genomes Project 30x 0.98969; 1000 Genomes Project 0.99042; TOPMed 0.99159; gnomAD 0.99193 and 0.99244.
gnomAD v4.1: 151,042 of 152,186 alleles (99%); highest among the groups gnomAD compares: Middle Eastern, 100%; 74,958 homozygotes.

Submission:

GeneDx
Classification: Benign. Last evaluated: 2018-06-19. Review status: criteria provided, single submitter. Criteria: GeneDx Variant Classification (06012015). Collection method: clinical testing. Allele origin: germline. Affected: yes.
Comment: This variant is considered likely benign or benign based on one or more of the following criteria: it is a conservative change, it occurs at a poorly conserved position in the protein, it is predicted to be benign by multiple in silico algorithms, and/or has population frequency not consistent with disease.

NM_024753.5(TTC21B):c.2138+330A>G

Gene: TTC21B (tetratricopeptide repeat domain 21B; minus strand). Cytogenetic location: 2q24.3.
Variant type: single nucleotide variant.
Coding change: c.2138+330A>G on transcript NM_024753.5 (MANE Select); 330 bases into the intron after coding-DNA position 2138, A replaced by G.
Molecular consequence: intron variant.
Genome position (GRCh38, 1-based): chr2:165,914,871, T>C on the plus strand (A>G on the coding strand, the complement: TTC21B is on the minus strand). VCF-style: chr2-165914871-T-C. GRCh37 (hg19) VCF-style: chr2-166771381-T-C.
Identifiers: ClinVar variation 667576 (VCV000667576.1), dbSNP rs10198692, ClinGen allele CA59798665.